The following is an entry in ClinVar:

ClinVar aggregate classification (germline): Uncertain significance (1 of 4 stars; one submission).

Conditions:
Short-rib thoracic dysplasia 6 with or without polydactyly (SRTD6). Also called: SHORT RIB-POLYDACTYLY SYNDROME, TYPE IIA; Majewski Syndrome; SHORT-RIB THORACIC DYSPLASIA 6 WITHOUT POLYDACTYLY; SHORT-RIB THORACIC DYSPLASIA 6 WITH POLYDACTYLY; POLYDACTYLY WITH NEONATAL CHONDRODYSTROPHY, TYPE II. Identifiers: MedGen C0024507, MONDO:0009894, OMIM 263520.

Allele frequency attached by ClinVar (database versions not stated): gnomAD exomes below 0.00001 and 0.00001; ExAC 0.00001; gnomAD 0.00001.
gnomAD v4.1: 8 of 1,613,920 alleles (0.0005%); highest among the groups gnomAD compares: East Asian, 0.0067%; no homozygotes.

Submission:

Labcorp Genetics (formerly Invitae), Labcorp
Classification: Uncertain significance for Short-rib thoracic dysplasia 6 with or without polydactyly. Last evaluated: 2021-04-16. Review status: criteria provided, single submitter. Criteria: Invitae Variant Classification Sherloc (09022015). Collection method: clinical testing. Allele origin: germline.
Comment: In summary, the available evidence is currently insufficient to determine the role of this variant in disease. Therefore, it has been classified as a Variant of Uncertain Significance. This sequence change replaces asparagine with serine at codon 1153 of the NEK1 protein (p.Asn1153Ser). The asparagine residue is highly conserved and there is a small physicochemical difference between asparagine and serine. This variant is present in population databases (rs766289659, ExAC 0.001%). This variant has not been reported in the literature in individuals with NEK1-related conditions. Advanced modeling of protein sequence and biophysical properties (such as structural, functional, and spatial information, amino acid conservation, physicochemical variation, residue mobility, and thermodynamic stability) performed at Invitae indicates that this missense variant is not expected to disrupt NEK1 protein function.

NM_001199397.3(NEK1):c.3542A>G (p.Asn1181Ser)

Gene: NEK1 (NIMA related kinase 1; minus strand). Cytogenetic location: 4q33.
Variant type: single nucleotide variant.
Coding change: c.3542A>G on transcript NM_001199397.3 (MANE Select); coding-DNA position 3542, A replaced by G.
Protein change: p.Asn1181Ser; replaces asparagine 1181 with serine.
Molecular consequence: missense variant. On other transcripts: non-coding transcript variant (1).
Genome position (GRCh38, 1-based): chr4:169,401,693, T>C on the plus strand (A>G on the coding strand, the complement: NEK1 is on the minus strand). VCF-style: chr4-169401693-T-C. GRCh37 (hg19) VCF-style: chr4-170322844-T-C.
Other names: c.3410A>G, p.Asn1137Ser (NM_001199398.3); c.3251A>G, p.Asn1084Ser (NM_001199399.3); c.3326A>G, p.Asn1109Ser (NM_001199400.3); c.3542A>G, p.Asn1181Ser (NM_001374418.1); c.3458A>G, p.Asn1153Ser (NM_001374419.1, NM_012224.4); c.3407A>G, p.Asn1136Ser (NM_001374420.1); c.3059A>G, p.Asn1020Ser (NM_001374421.1); short protein forms N1137S, N1084S, N1136S, N1153S, N1020S, N1109S, N1181S.
Identifiers: ClinVar variation 1436382 (VCV001436382.8), dbSNP rs766289659, ClinGen allele CA3137145.
Genomic context (GRCh38, chr4:169,401,693, plus strand): 5'-CAAAACTCTGATCATGCACCTGAGTGCCATTCTTCGTTCAGGGCACTTTCACTGCTGGGA[T>C]TGTCATCTTCATCTGCCACATCTGTCCCATTTGCAGTTGGCTCCACATCACTGTTCTTCA-3'
Protein context (NP_001186326.1, residues 1171-1191): NGTDVADEDD[Asn1181Ser]PSSESALNEE